The following is an entry in ClinVar:

NM_001018115.3(FANCD2):c.864C>T (p.Ser288=)

Genes: FANCD2 (FA complementation group D2; plus strand), LOC107303338 (3p25 FANCD2 Alu-mediated recombination region; plus strand). Cytogenetic location: 3p25.3.
Variant type: single nucleotide variant.
Coding change: c.864C>T on transcript NM_001018115.3 (MANE Select); coding-DNA position 864, C replaced by T.
Protein change: p.Ser288=; no amino-acid change (serine 288 retained).
Molecular consequence: synonymous variant.
Genome position (GRCh38, 1-based): chr3:10,042,639, C>T. VCF-style: chr3-10042639-C-T. GRCh37 (hg19) VCF-style: chr3-10084323-C-T.
Other names: c.864C>T, p.Ser288= (NM_001319984.2, NM_001374253.1, NM_001374254.1 and 1 more transcripts); c.864C>T (NM_001018115.2).
Identifiers: ClinVar variation 526456 (VCV000526456.17), dbSNP rs780547790, ClinGen allele CA2249386.

ClinVar aggregate classification (germline): Conflicting classifications of pathogenicity. Review status: criteria provided, conflicting classifications (1 of 4 stars). 3 submissions from 3 submitters: Uncertain significance (1); Likely benign (1). 1 of the submissions does not count toward it. Last evaluated 2026-01-25.

Conditions:
Fanconi anemia (FA). Also called: Fanconi's anemia. Identifiers: Orphanet 84, MedGen C0015625, MeSH D005199, MONDO:0019391.
FANCD2-related disorder. Also called: FANCD2-related condition.
Fanconi anemia complementation group D2. Also called: FANCD2-Related Fanconi Anemia; FANCONI PANCYTOPENIA, TYPE 4; FANCONI ANEMIA, COMPLEMENTATION GROUP D. Identifiers: Orphanet 84, MedGen C3160738, MONDO:0009214, OMIM 227646.

Allele frequency attached by ClinVar (database versions not stated): TOPMed 0.00006; gnomAD exomes 0.00006 and 0.00015; gnomAD 0.00009; ExAC 0.00014.
gnomAD v4.1: 105 of 1,613,520 alleles (0.0065%); highest among the groups gnomAD compares: East Asian, 0.089%; no homozygotes.

Submissions (3):

Labcorp Genetics (formerly Invitae), Labcorp
Classification: Likely benign for Fanconi anemia. Last evaluated: 2026-01-25. Review status: criteria provided, single submitter. Criteria: Invitae Variant Classification Sherloc (09022015). Collection method: clinical testing. Allele origin: germline.

Illumina Laboratory Services, Illumina
Classification: Uncertain significance for Fanconi anemia complementation group D2. Last evaluated: 2018-01-12. Review status: criteria provided, single submitter. Criteria: ICSL Variant Classification Criteria 13 December 2019. Collection method: clinical testing. Allele origin: germline.

PreventionGenetics, part of Exact Sciences
Classification: Likely benign for FANCD2-related condition. Last evaluated: 2019-07-23. Review status: no assertion criteria provided. Collection method: clinical testing. Allele origin: germline. Not counted in ClinVar's aggregate classification.
Comment: This variant is classified as likely benign based on ACMG/AMP sequence variant interpretation guidelines (Richards et al. 2015 PMID: 25741868, with internal and published modifications).